The following is an entry in ClinVar:

ClinVar aggregate classification (germline): Uncertain significance (1 of 4 stars; one submission).

Allele frequency attached by ClinVar (database versions not stated): gnomAD exomes below 0.00001; ExAC 0.00002; gnomAD 0.00002; TOPMed 0.00003.
gnomAD v4.1: 4 of 1,613,890 alleles (0.00025%); highest among the groups gnomAD compares: African/African-American, 0.004%; no homozygotes.

Submission:

Labcorp Genetics (formerly Invitae), Labcorp
Classification: Uncertain significance. Last evaluated: 2023-02-09. Review status: criteria provided, single submitter. Criteria: Invitae Variant Classification Sherloc (09022015). Collection method: clinical testing. Allele origin: germline.
Comment: In summary, the available evidence is currently insufficient to determine the role of this variant in disease. Therefore, it has been classified as a Variant of Uncertain Significance. Advanced modeling of protein sequence and biophysical properties (such as structural, functional, and spatial information, amino acid conservation, physicochemical variation, residue mobility, and thermodynamic stability) performed at Invitae indicates that this missense variant is not expected to disrupt INTU protein function. This variant has not been reported in the literature in individuals affected with INTU-related conditions. This variant is present in population databases (rs779935452, gnomAD 0.01%). This sequence change replaces isoleucine, which is neutral and non-polar, with threonine, which is neutral and polar, at codon 536 of the INTU protein (p.Ile536Thr).

NM_015693.4(INTU):c.1607T>C (p.Ile536Thr)

Gene: INTU (inturned planar cell polarity protein; plus strand). Cytogenetic location: 4q28.1.
Variant type: single nucleotide variant.
Coding change: c.1607T>C on transcript NM_015693.4 (MANE Select); coding-DNA position 1607, T replaced by C.
Protein change: p.Ile536Thr; replaces isoleucine 536 with threonine.
Molecular consequence: missense variant.
Genome position (GRCh38, 1-based): chr4:127,705,631, T>C. VCF-style: chr4-127705631-T-C. GRCh37 (hg19) VCF-style: chr4-128626786-T-C.
Other names: short protein forms I536T.
Identifiers: ClinVar variation 2780976 (VCV002780976.3), dbSNP rs779935452, ClinGen allele CA3075148.